The following is an entry in ClinVar:

ClinVar aggregate classification (germline): Uncertain significance. Review status: criteria provided, multiple submitters, no conflicts (2 of 4 stars). 2 submissions from 2 submitters: Uncertain significance (2). Last evaluated 2024-02-17.

Conditions:
Cohen syndrome (COH1). Also called: PEPPER SYNDROME; Cutis verticis gyrata, retinitis pigmentosa, and sensorineural deafness. Identifiers: Orphanet 193, MedGen C0265223, MONDO:0008999, OMIM 216550.
Inborn genetic diseases. Identifiers: MedGen C0950123, MeSH D030342.

Allele frequency attached by ClinVar (database versions not stated): gnomAD exomes below 0.00001; ExAC 0.00001; 1000 Genomes Project 30x 0.00016; 1000 Genomes Project 0.00020.
gnomAD v4.1: 3 of 1,613,978 alleles (0.00019%); highest among the groups gnomAD compares: East Asian, 0.0022%; no homozygotes.

Submissions (2):

Ambry Genetics
Classification: Uncertain significance for Inborn genetic diseases. Last evaluated: 2024-02-17. Review status: criteria provided, single submitter. Criteria: Ambry Variant Classification Scheme 2023. Collection method: clinical testing. Allele origin: germline.

Labcorp Genetics (formerly Invitae), Labcorp
Classification: Uncertain significance for Cohen syndrome. Last evaluated: 2022-05-22. Review status: criteria provided, single submitter. Criteria: Invitae Variant Classification Sherloc (09022015). Collection method: clinical testing. Allele origin: germline.
Comment: This sequence change replaces threonine, which is neutral and polar, with alanine, which is neutral and non-polar, at codon 2591 of the VPS13B protein (p.Thr2591Ala). This variant is not present in population databases (gnomAD no frequency). This variant has not been reported in the literature in individuals affected with VPS13B-related conditions. Algorithms developed to predict the effect of missense changes on protein structure and function output the following: SIFT: "Not Available"; PolyPhen-2: "Benign"; Align-GVGD: "Not Available". The alanine amino acid residue is found in multiple mammalian species, which suggests that this missense change does not adversely affect protein function. In summary, the available evidence is currently insufficient to determine the role of this variant in disease. Therefore, it has been classified as a Variant of Uncertain Significance.

NM_152564.5(VPS13B):c.7696A>G (p.Thr2566Ala)

Gene: VPS13B (vacuolar protein sorting 13 homolog B; plus strand). Cytogenetic location: 8q22.2.
Variant type: single nucleotide variant.
Coding change: c.7696A>G on transcript NM_152564.5 (MANE Select); coding-DNA position 7696, A replaced by G.
Protein change: p.Thr2566Ala; replaces threonine 2566 with alanine.
Molecular consequence: missense variant.
Genome position (GRCh38, 1-based): chr8:99,778,948, A>G. VCF-style: chr8-99778948-A-G. GRCh37 (hg19) VCF-style: chr8-100791176-A-G.
Other names: c.7771A>G (NM_017890.3); c.7771A>G, p.Thr2591Ala (NM_017890.5); short protein forms T2566A, T2591A.
Identifiers: ClinVar variation 2153638 (VCV002153638.2), dbSNP rs200302943, ClinGen allele CA4824272.